The following is an entry in ClinVar:

ClinVar aggregate classification (germline): Pathogenic. Review status: criteria provided, multiple submitters, no conflicts (2 of 4 stars). 3 submissions from 3 submitters: Pathogenic (3). Last evaluated 2025-11-27.

Conditions:
Marfan syndrome (MFS). Also called: MARFAN SYNDROME, TYPE I; FBN1-Related Marfan Syndrome; Marfan syndrome, classic; Marfan syndrome type 1; Marfan's syndrome. Identifiers: Orphanet 284963, Orphanet 558, MedGen C0024796, MONDO:0007947, OMIM 154700.
Familial thoracic aortic aneurysm and aortic dissection (TAAD). Also called: Thoracic aortic aneurysms and dissections. Identifiers: Orphanet 91387, MedGen C4707243, MONDO:0019625.

Submissions (3):

Labcorp Genetics (formerly Invitae), Labcorp
Classification: Pathogenic for Marfan syndrome; Familial thoracic aortic aneurysm and aortic dissection. Last evaluated: 2025-11-27. Review status: criteria provided, single submitter. Criteria: Invitae Variant Classification Sherloc (09022015). Collection method: clinical testing. Allele origin: germline.
Comment: This sequence change creates a premature translational stop signal (p.Gln147*) in the FBN1 gene. It is expected to result in an absent or disrupted protein product. Loss-of-function variants in FBN1 are known to be pathogenic (PMID: 17657824, 19293843). This variant is not present in population databases (gnomAD no frequency). This premature translational stop signal has been observed in individual(s) with Marfan syndrome (PMID: 33174221). ClinVar contains an entry for this variant (Variation ID: 264081). For these reasons, this variant has been classified as Pathogenic.

Center for Human Genetics, Inc
Classification: Pathogenic for Marfan syndrome. Last evaluated: 2016-11-01. Review status: criteria provided, single submitter. Criteria: ACMG Guidelines, 2015. Collection method: clinical testing. Allele origin: germline. Affected: yes.

Ambry Genetics
Classification: Pathogenic for Familial thoracic aortic aneurysm and aortic dissection. Last evaluated: 2015-06-11. Review status: criteria provided, single submitter. Criteria: Ambry Variant Classification Scheme 2023. Collection method: clinical testing. Allele origin: germline.
Comment: The p.Q147* pathogenic mutation (also known as c.439C>T) located in coding exon 4 of the FBN1 gene, results from a C to T substitution at nucleotide position 439. This changes the amino acid from a glutamine to a stop codon within coding exon 4. Since premature stop codons are typically deleterious in nature, this alteration is interpreted as a disease-causing mutation (ACMG Recommendations for Standards for Interpretation and Reporting of Sequence Variations. Revision 2007. Genet Med. 2008;10:294).

Literature cited by the submitters: PubMed 17657824 (cited by Labcorp Genetics (formerly Invitae), Labcorp); PubMed 19293843 (cited by Labcorp Genetics (formerly Invitae), Labcorp); PubMed 33174221 (cited by Labcorp Genetics (formerly Invitae), Labcorp).

NM_000138.5(FBN1):c.439C>T (p.Gln147Ter)

Gene: FBN1 (fibrillin 1; minus strand). Cytogenetic location: 15q21.1.
Variant type: single nucleotide variant.
Coding change: c.439C>T on transcript NM_000138.5 (MANE Select); coding-DNA position 439, C replaced by T.
Protein change: p.Gln147Ter; replaces glutamine 147 with a stop codon.
Molecular consequence: nonsense.
Genome position (GRCh38, 1-based): chr15:48,600,142, G>A on the plus strand (C>T on the coding strand, the complement: FBN1 is on the minus strand). VCF-style: chr15-48600142-G-A. GRCh37 (hg19) VCF-style: chr15-48892339-G-A.
Other names: short protein forms Q147*.
Identifiers: ClinVar variation 264081 (VCV000264081.6), dbSNP rs886039036, ClinGen allele CA10587865.